The following is an entry in ClinVar:

ClinVar aggregate classification (germline): Uncertain significance (1 of 4 stars; one submission).

Conditions:
Hereditary pancreatitis (PCTT). Also called: Hereditary chronic pancreatitis; PRSS1-Related Hereditary Pancreatitis. Identifiers: Orphanet 676, MedGen C0238339, MONDO:0008185, OMIM 167800.

Allele frequency attached by ClinVar (database versions not stated): gnomAD exomes 0.00001.
gnomAD v4.1: 9 of 1,614,228 alleles (0.00056%); highest among the groups gnomAD compares: Non-Finnish European, 0.00076%; no homozygotes.

Submission:

Ambry Genetics
Classification: Uncertain significance for Hereditary pancreatitis. Last evaluated: 2025-06-25. Review status: criteria provided, single submitter. Criteria: Ambry Variant Classification Scheme 2023. Collection method: clinical testing. Allele origin: germline.
Comment: The p.K151N variant (also known as c.453G>T), located in coding exon 5 of the CTRC gene, results from a G to T substitution at nucleotide position 453. The lysine at codon 151 is replaced by asparagine, an amino acid with similar properties. This alteration was identified in an individual diagnosed with pancreatitis (Rosendahl J et al. Gut, 2013 Apr;62:582-92). This amino acid position is poorly conserved in available vertebrate species. In addition, this alteration is predicted to be tolerated by in silico analysis. Since supporting evidence is limited at this time, the clinical significance of this alteration remains unclear.

Literature cited by the submitters: PubMed 22427236.

NM_007272.3(CTRC):c.453G>T (p.Lys151Asn)

Gene: CTRC (chymotrypsin C; plus strand). Cytogenetic location: 1p36.21.
Variant type: single nucleotide variant.
Coding change: c.453G>T on transcript NM_007272.3 (MANE Select); coding-DNA position 453, G replaced by T.
Protein change: p.Lys151Asn; replaces lysine 151 with asparagine.
Molecular consequence: missense variant.
Genome position (GRCh38, 1-based): chr1:15,443,515, G>T. VCF-style: chr1-15443515-G-T. GRCh37 (hg19) VCF-style: chr1-15770010-G-T.
Other names: short protein forms K151N.
Identifiers: ClinVar variation 2449708 (VCV002449708.3), dbSNP rs2526297336, ClinGen allele CA338566223.